The following is an entry in ClinVar:

NM_003482.4(KMT2D):c.15256C>T (p.Arg5086Ter)

Gene: KMT2D (lysine methyltransferase 2D; minus strand). Cytogenetic location: 12q13.12.
Variant type: single nucleotide variant.
Coding change: c.15256C>T on transcript NM_003482.4 (MANE Select); coding-DNA position 15256, C replaced by T.
Protein change: p.Arg5086Ter; replaces arginine 5086 with a stop codon.
Molecular consequence: nonsense.
Genome position (GRCh38, 1-based): chr12:49,026,710, G>A on the plus strand (C>T on the coding strand, the complement: KMT2D is on the minus strand). VCF-style: chr12-49026710-G-A. GRCh37 (hg19) VCF-style: chr12-49420493-G-A.
Other names: short protein forms R5086*.
Identifiers: ClinVar variation 167218 (VCV000167218.17), dbSNP rs727503979, ClinGen allele CA234162.

ClinVar aggregate classification (germline): Pathogenic. Review status: criteria provided, multiple submitters, no conflicts (2 of 4 stars). 9 submissions from 9 submitters: Pathogenic (7). 2 of the submissions do not count toward it. Last evaluated 2025-03-11.

Conditions:
Kabuki syndrome. Also called: Kabuki make-up syndrome; NIIKAWA-KUROKI SYNDROME. Identifiers: Orphanet 2322, MedGen C0796004, MONDO:0016512.
Kabuki syndrome 1 (KABUK1). Also called: KMT2D-Related Kabuki Syndrome. Identifiers: Orphanet 2322, MedGen CN030661, MONDO:0007843, OMIM 147920.
KMT2D-related disorder. Also called: KMT2D-Related Disorders.

gnomAD v4.1: 1 of 1,613,970 alleles (0.000062%); highest among the groups gnomAD compares: Non-Finnish European, 0.000085%; no homozygotes.

Submissions (9):

Labcorp Genetics (formerly Invitae), Labcorp
Classification: Pathogenic for Kabuki syndrome. Last evaluated: 2025-03-11. Review status: criteria provided, single submitter. Criteria: Invitae Variant Classification Sherloc (09022015). Collection method: clinical testing. Allele origin: germline.
Comment: This sequence change creates a premature translational stop signal (p.Arg5086*) in the KMT2D gene. It is expected to result in an absent or disrupted protein product. Loss-of-function variants in KMT2D are known to be pathogenic (PMID: 22126750). This variant is not present in population databases (gnomAD no frequency). This premature translational stop signal has been observed in individual(s) with clinical features of Kabuki syndrome (PMID: 22126750). ClinVar contains an entry for this variant (Variation ID: 167218). For these reasons, this variant has been classified as Pathogenic.

GeneDx
Classification: Pathogenic. Last evaluated: 2025-01-02. Review status: criteria provided, single submitter. Criteria: GeneDx Variant Classification Process June 2021. Collection method: clinical testing. Allele origin: germline. Affected: yes.
Comment: Identified in patients with Kabuki syndrome in published literature (PMID: 22126750, 36097644); Nonsense variant predicted to result in protein truncation or nonsense mediated decay in a gene for which loss of function is a known mechanism of disease; Not observed at significant frequency in large population cohorts (gnomAD); This variant is associated with the following publications: (PMID: 27302555, 36097644, 22126750)

Greenwood Genetic Center Diagnostic Laboratories, Greenwood Genetic Center
Classification: Pathogenic for Kabuki syndrome 1. Last evaluated: 2024-06-18. Review status: criteria provided, single submitter. Criteria: ACMG Guidelines, 2015. Collection method: clinical testing. Allele origin: germline. Affected: yes.
Comment: PVS1, PS4_Supporting, PM2

Blueprint Genetics
Classification: Pathogenic for KMT2D-related disorders. Last evaluated: 2022-11-14. Review status: criteria provided, single submitter. Criteria: ACMG Guidelines, 2015. Collection method: clinical testing. Allele origin: germline. Affected: yes. Observed: 1 variant allele.

3billion
Classification: Pathogenic for Kabuki syndrome 1. Last evaluated: 2021-10-02. Review status: criteria provided, single submitter. Criteria: ACMG Guidelines, 2015. Collection method: clinical testing. Allele origin: germline. Affected: yes. Observed: 1 heterozygote.
Comment: Stop-gained (nonsense): predicted to result in a loss or disruption of normal protein function through nonsense-mediated decay (NMD) or protein truncation. Multiple pathogenic variants are reported downstream of the variant (PVS1_VS). The variant was observed as assumed (i.e. paternity and maternity not confirmed) de novoo (3billion dataset, PM6). It is not observed in the gnomAD v2.1.1 dataset (PM2). The variant has been reported as pathogenic (ClinVar ID: VCV000167218.5). Therefore, this variant is classified as pathogenic according to the recommendation of ACMG/AMP guideline.

Fulgent Genetics
Classification: Pathogenic for Kabuki syndrome 1. Last evaluated: 2018-10-31. Review status: criteria provided, single submitter. Criteria: ACMG Guidelines, 2015. Collection method: clinical testing. Allele origin: unknown.

Eurofins Ntd Llc (ga)
Classification: Pathogenic. Last evaluated: 2013-12-05. Review status: criteria provided, single submitter. Criteria: EGL Classification Definitions. Collection method: clinical testing. Allele origin: germline. Observed: 1 variant allele, 1 heterozygote.

Genome Diagnostics Laboratory, Amsterdam University Medical Center
Classification: Pathogenic. Review status: no assertion criteria provided. Collection method: clinical testing. Allele origin: germline. Affected: yes. Study: VKGL Data-share Consensus. Not counted in ClinVar's aggregate classification.

Genome Diagnostics Laboratory, University Medical Center Utrecht
Classification: Pathogenic. Review status: no assertion criteria provided. Collection method: clinical testing. Allele origin: germline. Affected: yes. Study: VKGL Data-share Consensus. Not counted in ClinVar's aggregate classification.

Literature cited by the submitters: PubMed 22126750 (cited by Labcorp Genetics (formerly Invitae), Labcorp).